The following is an entry in ClinVar:

ClinVar aggregate classification (germline): Likely pathogenic (1 of 4 stars; one submission).

Submission:

GeneDx
Classification: Likely pathogenic. Last evaluated: 2024-08-12. Review status: criteria provided, single submitter. Criteria: GeneDx Variant Classification Process June 2021. Collection method: clinical testing. Allele origin: germline. Affected: yes.
Comment: Not observed at significant frequency in large population cohorts (gnomAD); In silico analysis supports that this missense variant has a deleterious effect on protein structure/function; Has not been previously published as pathogenic or benign to our knowledge

NM_178014.4(TUBB):c.680A>G (p.His227Arg)

Gene: TUBB (tubulin beta class I; plus strand). Cytogenetic location: 6p21.33.
Variant type: single nucleotide variant.
Coding change: c.680A>G on transcript NM_178014.4 (MANE Select); coding-DNA position 680, A replaced by G.
Protein change: p.His227Arg; replaces histidine 227 with arginine.
Molecular consequence: missense variant. On other transcripts: intron variant (1).
Genome position (GRCh38, 1-based): chr6:30,723,742, A>G. VCF-style: chr6-30723742-A-G. GRCh37 (hg19) VCF-style: chr6-30691519-A-G.
Other names: c.740A>G, p.His247Arg (NM_001293212.2); c.548A>G, p.His183Arg (NM_001293214.2); c.464A>G, p.His155Arg (NM_001293215.2, NM_001293216.2); c.370-296A>G (NM_001293213.2); short protein forms H155R, H183R, H227R, H247R.
Identifiers: ClinVar variation 3764220 (VCV003764220.1).